The following is an entry in ClinVar:

NM_001365902.3(NFIX):c.316_324del (p.Ser106_Pro108del)

Gene: NFIX (nuclear factor I X; plus strand). Cytogenetic location: 19p13.13.
Variant type: Deletion.
Coding change: c.316_324del on transcript NM_001365902.3 (MANE Select); coding-DNA positions 316 to 324, 9 bases deleted (TCCAACCCC; older notation c.316_324delTCCAACCCC).
Protein change: p.Ser106_Pro108del.
Molecular consequence: inframe deletion.
Genome position (GRCh38, 1-based): chr19:13,025,309-13,025,317, TCCAACCCC deleted; deleting any 9 consecutive bases within chr19:13,025,308-13,025,317 gives the same sequence; the c. name uses the placement nearest the transcript's 3' end. VCF-style (leftmost placement, unchanged base first): chr19-13025307-TCTCCAACCC-T. GRCh37 (hg19) VCF-style: chr19-13136121-TCTCCAACCC-T.
Other names: c.340_348del, p.Ser114_Pro116del (NM_001271043.2); c.292_300del, p.Ser98_Pro100del (NM_001271044.3, NM_001378404.1); c.316_324del, p.Ser106_Pro108del (NM_001365982.2, NM_002501.4); c.175_183del, p.Ser59_Pro61del (NM_001365983.2); c.313_321del, p.Ser105_Pro107del (NM_001365984.2, NM_001365985.2); c.364_372del, p.Ser122_Pro124del (NM_001378405.1).
Identifiers: ClinVar variation 2946853 (VCV002946853.3), dbSNP rs2512745206, ClinGen allele CA2740091909.

ClinVar aggregate classification (germline): Uncertain significance (1 of 4 stars; one submission).

Conditions:
Malan overgrowth syndrome (MALNS). Also called: NFIX-Related Malan Syndrome; MALAN SYNDROME; Sotos syndrome 2. Identifiers: Orphanet 420179, MedGen C3553660, MONDO:0013885, OMIM 614753.
Marshall-Smith syndrome (MRSHSS). Identifiers: Orphanet 561, MedGen C0265211, MONDO:0011244, OMIM 602535.

Submission:

Labcorp Genetics (formerly Invitae), Labcorp
Classification: Uncertain significance for Malan overgrowth syndrome; Marshall-Smith syndrome. Last evaluated: 2023-05-20. Review status: criteria provided, single submitter. Criteria: Invitae Variant Classification Sherloc (09022015). Collection method: clinical testing. Allele origin: germline.
Comment: This variant, c.340_348del, results in the deletion of 3 amino acid(s) of the NFIX protein (p.Ser114_Pro116del), but otherwise preserves the integrity of the reading frame. This variant is not present in population databases (gnomAD no frequency). This variant has not been reported in the literature in individuals affected with NFIX-related conditions. Experimental studies and prediction algorithms are not available or were not evaluated, and the functional significance of this variant is currently unknown. This variant disrupts a region of the NFIX protein in which other variant(s) (p.Ser114Phe) have been observed in individuals with NFIX-related conditions (PMID: 29897170). This suggests that this is a clinically significant region of the protein, and that variants that disrupt it are likely to be disease-causing. In summary, the available evidence is currently insufficient to determine the role of this variant in disease. Therefore, it has been classified as a Variant of Uncertain Significance.

Literature cited by the submitters: PubMed 29897170.